The following is an entry in ClinVar:

ClinVar aggregate classification (germline): Benign (1 of 4 stars; one submission).

Conditions:
Pseudohypoaldosteronism type 2E (PHA2E). Also called: Pseudohypoaldosteronism Type IIE. Identifiers: Orphanet 300530, Orphanet 757, MedGen C3469606, MONDO:0013782, OMIM 614496.

Allele frequency attached by ClinVar (database versions not stated): gnomAD exomes 0.00008; TOPMed 0.00056; gnomAD 0.00060; 1000 Genomes Project 30x 0.00141; 1000 Genomes Project 0.00160.
gnomAD v4.1: 95 of 194,176 alleles (0.049%); highest among the groups gnomAD compares: African/African-American, 0.21%; no homozygotes.

Submission:

Illumina Laboratory Services, Illumina
Classification: Benign for Pseudohypoaldosteronism type 2E. Last evaluated: 2018-01-12. Review status: criteria provided, single submitter. Criteria: ICSL Variant Classification Criteria 13 December 2019. Collection method: clinical testing. Allele origin: germline.
Comment: This variant was observed in the ICSL laboratory as part of a predisposition screen in an ostensibly healthy population. It had not been previously curated by ICSL or reported in the Human Gene Mutation Database (HGMD: prior to June 1st, 2018), and was therefore a candidate for classification through an automated scoring system. Utilizing variant allele frequency, disease prevalence and penetrance estimates, and inheritance mode, an automated score was calculated to assess if this variant is too frequent to cause the disease. Based on the score and internal cut-off values, a variant classified as benign is not then subjected to further curation. The score for this variant resulted in a classification of benign for this disease.

NM_003590.5(CUL3):c.*896G>C

Gene: CUL3 (cullin 3; minus strand). Cytogenetic location: 2q36.2.
Variant type: single nucleotide variant.
Coding change: c.*896G>C on transcript NM_003590.5 (MANE Select); 896 bases downstream of the stop codon, G replaced by C.
Molecular consequence: 3 prime UTR variant.
Genome position (GRCh38, 1-based): chr2:224,473,349, C>G on the plus strand (G>C on the coding strand, the complement: CUL3 is on the minus strand). VCF-style: chr2-224473349-C-G. GRCh37 (hg19) VCF-style: chr2-225338066-C-G.
Other names: c.*896G>C (NM_001257197.2, NM_001257198.2).
Identifiers: ClinVar variation 334620 (VCV000334620.6), dbSNP rs141660429, ClinGen allele CA10614536.
Genomic context (GRCh38, chr2:224,473,349, plus strand): 5'-GCAGGGAGGACCTAGGGTATTTATAAACAAAGTATAGACTGTATGTGCTTTTCAGAGGGG[C>G]TGAATTAAATATAACCAGCTGCCAACTTTGTGCTCTGACATACTTGAATTAGTGGGTATG-3'